The following is an entry in ClinVar:

NM_001876.4(CPT1A):c.2018_2022del (p.Pro672_Phe673insTer)

Gene: CPT1A (carnitine palmitoyltransferase 1A; minus strand). Cytogenetic location: 11q13.3.
Variant type: Deletion.
Coding change: c.2018_2022del on transcript NM_001876.4 (MANE Select); coding-DNA positions 2018 to 2022, 5 bases deleted (TCCTT; older notation c.2018_2022delTCCTT).
Protein change: p.Pro672_Phe673insTer.
Molecular consequence: nonsense.
Genome position (GRCh38, 1-based): chr11:68,761,541-68,761,545, AAGGA deleted on the plus strand (TCCTT on the coding strand, the reverse complement: CPT1A is on the minus strand); deleting any 5 consecutive bases within chr11:68,761,541-68,761,549 gives the same sequence; the c. name uses the placement nearest the transcript's 3' end. VCF-style (leftmost placement, unchanged base first): chr11-68761540-TAAGGA-T. GRCh37 (hg19) VCF-style: chr11-68529008-TAAGGA-T.
Other names: c.2018_2022del, p.Pro672_Phe673insTer (NM_001031847.3).
Identifiers: ClinVar variation 1405623 (VCV001405623.7), dbSNP rs1163935346, ClinGen allele CA679631617.

ClinVar aggregate classification (germline): Pathogenic/Likely pathogenic. Review status: criteria provided, multiple submitters, no conflicts (2 of 4 stars). 2 submissions from 2 submitters: Pathogenic (1); Likely pathogenic (1). Last evaluated 2023-04-07.

Conditions:
Carnitine palmitoyl transferase 1A deficiency. Also called: CPT deficiency, hepatic, type IA; CPT I DEFICIENCY; CPT DEFICIENCY, HEPATIC, TYPE I; Carnitine palmitoyltransferase type I deficiency; Carnitine palmitoyltransferase 1A deficiency. Identifiers: Orphanet 156, MedGen C1829703, MONDO:0009705, OMIM 255120.

Submissions (2):

Baylor Genetics
Classification: Likely pathogenic for Carnitine palmitoyl transferase 1A deficiency. Last evaluated: 2023-04-07. Review status: criteria provided, single submitter. Criteria: ACMG Guidelines, 2015. Collection method: clinical testing. Allele origin: unknown.

Labcorp Genetics (formerly Invitae), Labcorp
Classification: Pathogenic for Carnitine palmitoyl transferase 1A deficiency. Last evaluated: 2023-01-16. Review status: criteria provided, single submitter. Criteria: Invitae Variant Classification Sherloc (09022015). Collection method: clinical testing. Allele origin: germline.
Comment: For these reasons, this variant has been classified as Pathogenic. ClinVar contains an entry for this variant (Variation ID: 1405623). This variant has not been reported in the literature in individuals affected with CPT1A-related conditions. This variant is not present in population databases (gnomAD no frequency). This sequence change creates a premature translational stop signal (p.Phe673*) in the CPT1A gene. It is expected to result in an absent or disrupted protein product. Loss-of-function variants in CPT1A are known to be pathogenic (PMID: 16169268).

Literature cited by the submitters: PubMed 16169268 (cited by Labcorp Genetics (formerly Invitae), Labcorp).